The following is an entry in ClinVar:

NM_003620.4(PPM1D):c.1514del (p.Asn505fs)

Gene: PPM1D (protein phosphatase, Mg2+/Mn2+ dependent 1D; plus strand). Cytogenetic location: 17q23.2.
Variant type: Deletion.
Coding change: c.1514del on transcript NM_003620.4 (MANE Select); coding-DNA position 1514, one base deleted (A; older notation c.1514delA).
Protein change: p.Asn505fs; shifts the reading frame from asparagine 505.
Molecular consequence: frameshift variant.
Genome position (GRCh38, 1-based): chr17:60,663,248, A deleted; the last of 3 consecutive A bases (chr17:60,663,246-60,663,248); deleting any one gives the same sequence. VCF-style (leftmost placement, unchanged base first): chr17-60663245-CA-C. GRCh37 (hg19) VCF-style: chr17-58740606-CA-C.
Other names: short protein forms N505fs.
Identifiers: ClinVar variation 2268765 (VCV002268765.2), dbSNP rs765849818, ClinGen allele CA2576343504.

ClinVar aggregate classification (germline): Uncertain significance (1 of 4 stars; one submission).

Conditions:
Inborn genetic diseases. Identifiers: MedGen C0950123, MeSH D030342.

Submission:

Ambry Genetics
Classification: Uncertain significance for Inborn genetic diseases. Last evaluated: 2022-02-10. Review status: criteria provided, single submitter. Criteria: Ambry Variant Classification Scheme 2023. Collection method: clinical testing. Allele origin: germline.
Comment: Loss of function has not been clearly established as a mechanism of disease Based on insufficient or conflicting evidence, the clinical significance of this alteration remains unclear.